The following is an entry in ClinVar:

NM_001374828.1(ARID1B):c.1478A>G (p.Gln493Arg)

Gene: ARID1B (AT-rich interaction domain 1B; plus strand). Cytogenetic location: 6q25.3.
Variant type: single nucleotide variant.
Coding change: c.1478A>G on transcript NM_001374828.1 (MANE Select); coding-DNA position 1478, A replaced by G.
Protein change: p.Gln493Arg; replaces glutamine 493 with arginine.
Molecular consequence: missense variant.
Genome position (GRCh38, 1-based): chr6:156,779,158, A>G. VCF-style: chr6-156779158-A-G. GRCh37 (hg19) VCF-style: chr6-157100292-A-G.
Other names: c.1229A>G, p.Gln410Arg (NM_001346813.1, NM_020732.3); c.1478A>G, p.Gln493Arg (NM_001371656.1, NM_001374820.1, NM_017519.3); c.1055A>G, p.Gln352Arg (NM_175863.2); short protein forms Q410R, Q352R, Q493R.
Identifiers: ClinVar variation 2826698 (VCV002826698.3), dbSNP rs2546840907, ClinGen allele CA366384505.

ClinVar aggregate classification (germline): Uncertain significance (1 of 4 stars; one submission).

Submission:

Labcorp Genetics (formerly Invitae), Labcorp
Classification: Uncertain significance. Last evaluated: 2023-01-06. Review status: criteria provided, single submitter. Criteria: Invitae Variant Classification Sherloc (09022015). Collection method: clinical testing. Allele origin: germline.
Comment: In summary, the available evidence is currently insufficient to determine the role of this variant in disease. Therefore, it has been classified as a Variant of Uncertain Significance. Algorithms developed to predict the effect of missense changes on protein structure and function (SIFT, PolyPhen-2, Align-GVGD) all suggest that this variant is likely to be tolerated. This variant has not been reported in the literature in individuals affected with ARID1B-related conditions. This variant is not present in population databases (gnomAD no frequency). This sequence change replaces glutamine, which is neutral and polar, with arginine, which is basic and polar, at codon 410 of the ARID1B protein (p.Gln410Arg).